The following is an entry in ClinVar:

ClinVar aggregate classification (germline): Uncertain significance (1 of 4 stars; one submission).

Conditions:
Benign neonatal seizures. Also called: Benign familial neonatal seizures; Benign familial neonatal epilepsy; Convulsions benign familial neonatal dominant form; Autosomal dominant form of benign neonatal seizures; Benign neonatal familial convulsions. Identifiers: Orphanet 1949, MedGen C0220669, MONDO:0016027.

gnomAD v4.1: 2 of 1,595,704 alleles (0.00013%); highest among the groups gnomAD compares: Non-Finnish European, 0.00017%; no homozygotes.

Submission:

Labcorp Genetics (formerly Invitae), Labcorp
Classification: Uncertain significance for Benign neonatal seizures. Last evaluated: 2023-09-29. Review status: criteria provided, single submitter. Criteria: Invitae Variant Classification Sherloc (09022015). Collection method: clinical testing. Allele origin: germline.
Comment: Advanced modeling of protein sequence and biophysical properties (such as structural, functional, and spatial information, amino acid conservation, physicochemical variation, residue mobility, and thermodynamic stability) performed at Invitae indicates that this missense variant is expected to disrupt KCNQ3 protein function. In summary, the available evidence is currently insufficient to determine the role of this variant in disease. Therefore, it has been classified as a Variant of Uncertain Significance. This variant has not been reported in the literature in individuals affected with KCNQ3-related conditions. This variant is not present in population databases (gnomAD no frequency). This sequence change replaces arginine, which is basic and polar, with proline, which is neutral and non-polar, at codon 520 of the KCNQ3 protein (p.Arg520Pro).

NM_004519.4(KCNQ3):c.1559G>C (p.Arg520Pro)

Gene: KCNQ3 (potassium voltage-gated channel subfamily Q member 3; minus strand). Cytogenetic location: 8q24.22.
Variant type: single nucleotide variant.
Coding change: c.1559G>C on transcript NM_004519.4 (MANE Select); coding-DNA position 1559, G replaced by C.
Protein change: p.Arg520Pro; replaces arginine 520 with proline.
Molecular consequence: missense variant.
Genome position (GRCh38, 1-based): chr8:132,140,085, C>G on the plus strand (G>C on the coding strand, the complement: KCNQ3 is on the minus strand). VCF-style: chr8-132140085-C-G. GRCh37 (hg19) VCF-style: chr8-133152332-C-G.
Other names: c.1199G>C, p.Arg400Pro (NM_001204824.2); short protein forms R400P, R520P.
Identifiers: ClinVar variation 3020173 (VCV003020173.3), dbSNP rs1433850673, ClinGen allele CA372219572.